The following is an entry in ClinVar:

ClinVar aggregate classification (germline): Conflicting classifications of pathogenicity. Review status: criteria provided, conflicting classifications (1 of 4 stars). 2 submissions from 2 submitters: Uncertain significance (1); Likely benign (1). Last evaluated 2022-05-10.

Conditions:
Inborn genetic diseases. Identifiers: MedGen C0950123, MeSH D030342.

Submissions (2):

GeneDx
Classification: Uncertain significance. Last evaluated: 2022-05-10. Review status: criteria provided, single submitter. Criteria: GeneDx Variant Classification Process June 2021. Collection method: clinical testing. Allele origin: germline. Affected: yes.
Comment: Not observed at significant frequency in large population cohorts (gnomAD); Has not been previously published as pathogenic or benign to our knowledge; In-frame duplication of 1 amino acid residue

Ambry Genetics
Classification: Likely benign for Inborn genetic diseases. Last evaluated: 2021-03-12. Review status: criteria provided, single submitter. Criteria: Ambry Variant Classification Scheme 2023. Collection method: clinical testing. Allele origin: germline.

NM_020631.6(PLEKHG5):c.112GAG[7] (p.Glu43_Ser44insGlu)

Gene: PLEKHG5 (pleckstrin homology and RhoGEF domain containing G5; minus strand). Cytogenetic location: 1p36.31.
Variant type: Microsatellite.
Coding change: c.112GAG[7] on transcript NM_020631.6 (MANE Select); seven copies in a row of the 3-base unit GAG starting at c.112; the reference has six copies in a row; one copy, 3 bases duplicated.
Protein change: p.Glu43_Ser44insGlu.
Molecular consequence: inframe insertion. On other transcripts: inframe indel (5).
Genome position (GRCh38, 1-based): chr1:6,475,951-6,475,953, CTC duplicated on the plus strand (GAG on the coding strand, the reverse complement: PLEKHG5 is on the minus strand); duplicating any 3 consecutive bases within chr1:6,475,951-6,475,969 gives the same sequence; the position shown is the placement nearest the transcript's 3' end. VCF-style (leftmost placement, unchanged base first): chr1-6475950-T-TCTC. GRCh37 (hg19) VCF-style: chr1-6536010-T-TCTC.
Other names: c.127_129dupGAG (NM_020631.3); c.223GAG[7], p.Glu80_Ser81insGlu (NM_001042663.3, NM_001265592.2); c.111_113GGA[7], p.Glu43_Ser44insGlu (NM_001042664.2, NM_001042665.2, NM_001265594.3); c.318_320GGA[7], p.Glu112_Ser113insGlu (NM_001265593.2); c.112GAG[7], p.Glu43_Ser44insGlu (NM_198681.4).
Identifiers: ClinVar variation 1723711 (VCV001723711.4), dbSNP rs760139855, ClinGen allele CA561983.